The following is an entry in ClinVar:

ClinVar aggregate classification (germline): Benign (1 of 4 stars; one submission).

Allele frequency attached by ClinVar (database versions not stated): 1000 Genomes Project 0.03534; 1000 Genomes Project 30x 0.03560; TOPMed 0.05976; ESP Exome Variant Server 0.06719; gnomAD 0.06985 and 0.07125; gnomAD exomes 0.07287 and 0.09035; ExAC 0.07356.
gnomAD v4.1: 134,423 of 1,529,658 alleles (8.8%); highest among the groups gnomAD compares: Non-Finnish European, 10%; 6,956 homozygotes.

Submission:

GeneDx
Classification: Benign. Last evaluated: 2018-06-16. Review status: criteria provided, single submitter. Criteria: GeneDx Variant Classification (06012015). Collection method: clinical testing. Allele origin: germline. Affected: yes.
Comment: This variant is considered likely benign or benign based on one or more of the following criteria: it is a conservative change, it occurs at a poorly conserved position in the protein, it is predicted to be benign by multiple in silico algorithms, and/or has population frequency not consistent with disease.

NM_032119.4(ADGRV1):c.12850-36A>T

Gene: ADGRV1 (adhesion G protein-coupled receptor V1; plus strand). Cytogenetic location: 5q14.3.
Variant type: single nucleotide variant.
Coding change: c.12850-36A>T on transcript NM_032119.4 (MANE Select); 36 bases into the intron before coding-DNA position 12850, A replaced by T.
Molecular consequence: intron variant.
Genome position (GRCh38, 1-based): chr5:90,778,829, A>T. VCF-style: chr5-90778829-A-T. GRCh37 (hg19) VCF-style: chr5-90074646-A-T.
Identifiers: ClinVar variation 675837 (VCV000675837.1), dbSNP rs41308293, ClinGen allele CA3341362.